The following is an entry in ClinVar:

NM_005121.3(MED13):c.3108T>C (p.Tyr1036=)

Gene: MED13 (mediator complex subunit 13; minus strand). Cytogenetic location: 17q23.2.
Variant type: single nucleotide variant.
Coding change: c.3108T>C on transcript NM_005121.3 (MANE Select); coding-DNA position 3108, T replaced by C.
Protein change: p.Tyr1036=; no amino-acid change (tyrosine 1036 retained).
Molecular consequence: synonymous variant.
Genome position (GRCh38, 1-based): chr17:61,982,895, A>G on the plus strand (T>C on the coding strand, the complement: MED13 is on the minus strand). VCF-style: chr17-61982895-A-G. GRCh37 (hg19) VCF-style: chr17-60060256-A-G.
Identifiers: ClinVar variation 795994 (VCV000795994.27), dbSNP rs548050301, ClinGen allele CA8692701.
Genomic context (GRCh38, chr17:61,982,895, plus strand): 5'-AGAATTAAGGGGTCTGCATGTAGATGGGGTAGAAGCTGGTGAATACAAGTCTGAATTTTC[A>G]TATTTGACTGAACCTTGAGCACTAGCAGGTCCACCAGCTCCACGAGGAGTCCGAGGAGTC-3'
Protein context (NP_005112.2, residues 1026-1046): GPASAQGSVK[Tyr1036=]ENSDLYSPAS

ClinVar aggregate classification (germline): Likely benign. Review status: criteria provided, multiple submitters, no conflicts (2 of 4 stars). 2 submissions from 2 submitters: Likely benign (2). Last evaluated 2022-11-01.

Allele frequency attached by ClinVar (database versions not stated): gnomAD 0.00001; gnomAD exomes 0.00001 and 0.00003; TOPMed 0.00002; ExAC 0.00003.
gnomAD v4.1: 19 of 1,614,074 alleles (0.0012%); highest among the groups gnomAD compares: Admixed American, 0.01%; no homozygotes.

Submissions (2):

CeGaT Center for Human Genetics Tuebingen
Classification: Likely benign. Last evaluated: 2022-11-01. Review status: criteria provided, single submitter. Criteria: CeGaT Center For Human Genetics Tuebingen Variant Classification Criteria Version 2. Collection method: clinical testing. Allele origin: germline. Affected: yes. Observed: 1 variant allele.
Comment: MED13: BP4, BP7

Labcorp Genetics (formerly Invitae), Labcorp
Classification: Likely benign. Last evaluated: 2018-12-04. Review status: criteria provided, single submitter. Criteria: Invitae Variant Classification Sherloc (09022015). Collection method: clinical testing. Allele origin: germline.